The following is an entry in ClinVar:

ClinVar aggregate classification (germline): Likely benign. Review status: criteria provided, multiple submitters, no conflicts (2 of 4 stars). 3 submissions from 3 submitters: Likely benign (2). 1 of the submissions does not count toward it. Last evaluated 2025-11-23.

Conditions:
PHKA1-related disorder. Also called: PHKA1-related condition.
Glycogen storage disease IXd (GSD9D). Also called: GSD IXd; Muscle Phosphorylase Kinase Deficiency. Identifiers: Orphanet 715, MedGen C1845151, MONDO:0010362, OMIM 300559.

Allele frequency attached by ClinVar (database versions not stated): gnomAD exomes 0.00001 and 0.00008; ExAC 0.00007; gnomAD 0.00011 and 0.00014; TOPMed 0.00016; 1000 Genomes Project 30x 0.00021; 1000 Genomes Project 0.00026.
gnomAD v4.1: 29 of 1,206,748 alleles (0.0024%); highest among the groups gnomAD compares: African/African-American, 0.033%; no homozygotes.

Submissions (3):

Labcorp Genetics (formerly Invitae), Labcorp
Classification: Likely benign for Glycogen storage disease IXd. Last evaluated: 2025-11-23. Review status: criteria provided, single submitter. Criteria: Invitae Variant Classification Sherloc (09022015). Collection method: clinical testing. Allele origin: germline.

Illumina Laboratory Services, Illumina
Classification: Likely benign for Glycogen storage disease IXd. Last evaluated: 2018-01-13. Review status: criteria provided, single submitter. Criteria: ICSL Variant Classification Criteria 13 December 2019. Collection method: clinical testing. Allele origin: germline.
Comment: This variant was observed in the ICSL laboratory as part of a predisposition screen in an ostensibly healthy population. It had not been previously curated by ICSL or reported in the Human Gene Mutation Database (HGMD: prior to June 1st, 2018), and was therefore a candidate for classification through an automated scoring system. Utilizing variant allele frequency, disease prevalence and penetrance estimates, and inheritance mode, an automated score was calculated to assess if this variant is too frequent to cause the disease. Based on the score and internal cut-off values, a variant classified as likely benign is not then subjected to further curation. The score for this variant resulted in a classification of likely benign for this disease.

PreventionGenetics, part of Exact Sciences
Classification: Likely benign for PHKA1-related condition. Last evaluated: 2020-03-25. Review status: no assertion criteria provided. Collection method: clinical testing. Allele origin: germline. Not counted in ClinVar's aggregate classification.
Comment: This variant is classified as likely benign based on ACMG/AMP sequence variant interpretation guidelines (Richards et al. 2015 PMID: 25741868, with internal and published modifications).

NM_002637.4(PHKA1):c.2112C>T (p.Thr704=)

Gene: PHKA1 (phosphorylase kinase regulatory subunit alpha 1; minus strand). Cytogenetic location: Xq13.1.
Variant type: single nucleotide variant.
Coding change: c.2112C>T on transcript NM_002637.4 (MANE Select); coding-DNA position 2112, C replaced by T.
Protein change: p.Thr704=; no amino-acid change (threonine 704 retained).
Molecular consequence: synonymous variant. On other transcripts: intron variant (1).
Genome position (GRCh38, 1-based): chrX:72,620,750, G>A on the plus strand (C>T on the coding strand, the complement: PHKA1 is on the minus strand). VCF-style: chrX-72620750-G-A. GRCh37 (hg19) VCF-style: chrX-71840600-G-A.
Other names: c.2112C>T, p.Thr704= (NM_001122670.2); c.1961-1445C>T (NM_001172436.2).
Identifiers: ClinVar variation 368647 (VCV000368647.14), dbSNP rs782437467, ClinGen allele CA10450765.